The following is an entry in ClinVar:

NM_052945.4(TNFRSF13C):c.494C>T (p.Ala165Val)

Gene: TNFRSF13C (TNF receptor superfamily member 13C; minus strand). Cytogenetic location: 22q13.2.
Variant type: single nucleotide variant.
Coding change: c.494C>T on transcript NM_052945.4 (MANE Select); coding-DNA position 494, C replaced by T.
Protein change: p.Ala165Val; replaces alanine 165 with valine.
Molecular consequence: missense variant.
Genome position (GRCh38, 1-based): chr22:41,925,428, G>A on the plus strand (C>T on the coding strand, the complement: TNFRSF13C is on the minus strand). VCF-style: chr22-41925428-G-A. GRCh37 (hg19) VCF-style: chr22-42321432-G-A.
Other names: short protein forms A165V.
Identifiers: ClinVar variation 3657459 (VCV003657459.2).

ClinVar aggregate classification (germline): Uncertain significance (1 of 4 stars; one submission).

Conditions:
Immunodeficiency, common variable, 4. Also called: ANTIBODY DEFICIENCY DUE TO BAFFR DEFECT. Identifiers: Orphanet 1572, Orphanet 696925, MedGen C3150739, MONDO:0013284, OMIM 613494.

gnomAD v4.1: 3 of 1,611,476 alleles (0.00019%); highest among the groups gnomAD compares: Non-Finnish European, 0.00025%; no homozygotes.

Submission:

Labcorp Genetics (formerly Invitae), Labcorp
Classification: Uncertain significance for Immunodeficiency, common variable, 4. Last evaluated: 2025-03-10. Review status: criteria provided, single submitter. Criteria: Invitae Variant Classification Sherloc (09022015). Collection method: clinical testing. Allele origin: germline.
Comment: This sequence change replaces alanine, which is neutral and non-polar, with valine, which is neutral and non-polar, at codon 165 of the TNFRSF13C protein (p.Ala165Val). This variant is not present in population databases (gnomAD no frequency). This variant has not been reported in the literature in individuals affected with TNFRSF13C-related conditions. An algorithm developed to predict the effect of missense changes on protein structure and function (PolyPhen-2) suggests that this variant is likely to be disruptive. In summary, the available evidence is currently insufficient to determine the role of this variant in disease. Therefore, it has been classified as a Variant of Uncertain Significance.